The following is an entry in ClinVar:

NM_001267550.2(TTN):c.107965C>A (p.Arg35989=)

Genes: TTN (titin; minus strand), TTN-AS1 (TTN antisense RNA 1; plus strand). Cytogenetic location: 2q31.2.
Variant type: single nucleotide variant.
Coding change: c.107965C>A on transcript NM_001267550.2 (MANE Select); coding-DNA position 107965, C replaced by A.
Protein change: p.Arg35989=; no amino-acid change (arginine 35989 retained).
Molecular consequence: synonymous variant.
Genome position (GRCh38, 1-based): chr2:178,527,023, G>T on the plus strand (C>A on the coding strand, the complement: TTN is on the minus strand). VCF-style: chr2-178527023-G-T. GRCh37 (hg19) VCF-style: chr2-179391750-G-T.
Other names: c.103042C>A, p.Arg34348= (NM_001256850.1); c.80770C>A, p.Arg26924= (NM_003319.4); c.100261C>A, p.Arg33421= (NM_133378.4); c.81145C>A, p.Arg27049= (NM_133432.3); c.81346C>A, p.Arg27116= (NM_133437.4).
Identifiers: ClinVar variation 2578875 (VCV002578875.26), dbSNP rs770506970, ClinGen allele CA430091457.
Genomic context (GRCh38, chr2:178,527,023, plus strand): 5'-GTTTGCGAAAAGTTAAGAATGAGTGTAGAGTATAAGGGCACAGGCCCTCTTAAATGGATC[G>T]AATATGTATATTCACAGTGGCAGAGTCAGATCCAAATTCATTCCCTAAACTCAGGGTATA-3'
Protein context (NP_001254479.2, residues 35979-35991): SDSATVNIHI[Arg35989=]SI

ClinVar aggregate classification (germline): Likely benign. Review status: criteria provided, multiple submitters, no conflicts (2 of 4 stars). 2 submissions from 2 submitters: Likely benign (2). Last evaluated 2025-02-09.

Conditions:
Autosomal recessive limb-girdle muscular dystrophy type 2J (LGMDR10). Also called: Limb-girdle muscular dystrophy, type 2J; MUSCULAR DYSTROPHY, LIMB-GIRDLE, AUTOSOMAL RECESSIVE 10. Identifiers: Orphanet 140922, MedGen C1837342, MONDO:0012127, OMIM 608807.
Dilated cardiomyopathy 1G (CMD1G). Identifiers: Orphanet 154, MedGen C1858763, MONDO:0011400, OMIM 604145.

gnomAD v4.1: 8 of 1,612,118 alleles (0.0005%); highest among the groups gnomAD compares: Middle Eastern, 0.016%; no homozygotes.

Submissions (2):

Labcorp Genetics (formerly Invitae), Labcorp
Classification: Likely benign for Dilated cardiomyopathy 1G; Autosomal recessive limb-girdle muscular dystrophy type 2J. Last evaluated: 2025-02-09. Review status: criteria provided, single submitter. Criteria: Invitae Variant Classification Sherloc (09022015). Collection method: clinical testing. Allele origin: germline.

CeGaT Center for Human Genetics Tuebingen
Classification: Likely benign. Last evaluated: 2023-08-01. Review status: criteria provided, single submitter. Criteria: CeGaT Center For Human Genetics Tuebingen Variant Classification Criteria Version 2. Collection method: clinical testing. Allele origin: germline. Affected: yes. Observed: 2 variant alleles.
Comment: TTN: BP4, BP7